The following is an entry in ClinVar:

NC_000017.11:g.2688360_2784321del

Genes: CLUH (CLUH binding protein of NUMT mRNA; minus strand), CCDC92B (coiled-coil domain containing 92B; minus strand), MIR1253 (microRNA 1253; minus strand), MIR6776 (microRNA 6776; minus strand), PAFAH1B1 (platelet activating factor acetylhydrolase 1b regulatory subunit 1; plus strand) and 7 more. Cytogenetic location: 17p13.3.
Variant type: Deletion.
Identifiers: ClinVar variation 983494 (VCV000983494.4).

ClinVar aggregate classification (germline): Likely pathogenic (1 of 4 stars; one submission).

Conditions:
Chromosome 15q11.2 deletion syndrome. Identifiers: Orphanet 261183, MedGen C3180937, MONDO:0014294, OMIM 615656.

Submission:

Foundation for Research in Genetics and Endocrinology, FRIGE's Institute of Human Genetics
Classification: Likely pathogenic for Chromosome 15q11.2 deletion syndrome. Last evaluated: 2020-07-30. Review status: criteria provided, single submitter. Criteria: ACMG Guidelines, 2015. Collection method: clinical testing. Allele origin: germline. Inheritance: Autosomal dominant inheritance. Affected: yes. Observed: 1 heterozygote.
Comment: On in silico CNV analysis, a heterozygous contiguous deletion of size (~110.31 Kb), spanning genomic location chr17:g.2591654_2687615del that encompasses the PAFAH1B1 gene were not covered in the sequencing data of this sample. The coverage and depth of these regions are sufficiently targeted in this assay and hence, the results are likely to be suggestive of heterozygous deletion of these regions [CNV ratio: 0.50]. Copy number variations in PAFAH1B1 gene has been previously reported in patients affected with lissencephaly (Takahashi et al. 2015). In summary, the variant meets our criteria to be classified as likely pathogenic.